The following is an entry in ClinVar:

ClinVar aggregate classification (germline): Uncertain significance (1 of 4 stars; one submission).

Submission:

GeneDx
Classification: Uncertain significance. Last evaluated: 2024-04-25. Review status: criteria provided, single submitter. Criteria: GeneDx Variant Classification Process June 2021. Collection method: clinical testing. Allele origin: germline. Affected: yes.
Comment: Not observed at significant frequency in large population cohorts (gnomAD); In silico analysis indicates that this missense variant does not alter protein structure/function; Has not been previously published as pathogenic or benign to our knowledge

NM_000209.4(PDX1):c.718C>T (p.Pro240Ser)

Gene: PDX1 (pancreatic and duodenal homeobox 1; plus strand). Cytogenetic location: 13q12.2.
Variant type: single nucleotide variant.
Coding change: c.718C>T on transcript NM_000209.4 (MANE Select); coding-DNA position 718, C replaced by T.
Protein change: p.Pro240Ser; replaces proline 240 with serine.
Molecular consequence: missense variant.
Genome position (GRCh38, 1-based): chr13:27,924,567, C>T. VCF-style: chr13-27924567-C-T. GRCh37 (hg19) VCF-style: chr13-28498704-C-T.
Other names: short protein forms P240S.
Identifiers: ClinVar variation 3373071 (VCV003373071.1).